The following is an entry in ClinVar:

ClinVar aggregate classification (germline): Pathogenic/Likely pathogenic. Review status: criteria provided, multiple submitters, no conflicts (2 of 4 stars). 2 submissions from 2 submitters: Pathogenic (1); Likely pathogenic (1). Last evaluated 2025-06-23.

Conditions:
ALG1-congenital disorder of glycosylation. Also called: CONGENITAL DISORDER OF GLYCOSYLATION, TYPE Ik; CDG Ik; ALG1-CDG. Identifiers: Orphanet 79327, MedGen C2931005, MONDO:0012052, OMIM 608540.

gnomAD v4.1: 2 of 1,597,198 alleles (0.00013%); highest among the groups gnomAD compares: East Asian, 0.0045%; no homozygotes.

Submissions (2):

Women's Health and Genetics/Laboratory Corporation of America, LabCorp
Classification: Pathogenic for ALG1-congenital disorder of glycosylation. Last evaluated: 2025-06-23. Review status: criteria provided, single submitter. Criteria: LabCorp Variant Classification Summary - May 2015. Collection method: clinical testing. Allele origin: germline.
Comment: Variant summary: ALG1 c.1261C>T (p.Gln421X) results in a premature termination codon, predicted to cause a truncation of the encoded protein. Downstream loss-of-function variants have been reported as likely pathogenic/pathogenic by our laboratory and in ClinVar, suggesting this genomic region is of clinical significance. The variant allele was found at a frequency of 8.5e-06 in 234118 control chromosomes. To our knowledge, no occurrence of c.1261C>T in individuals affected with Congenital Disorder Of Glycosylation Type 1K and no experimental evidence demonstrating its impact on protein function have been reported. ClinVar contains an entry for this variant (Variation ID: 3580795). Based on the evidence outlined above, the variant was classified as pathogenic.

Fulgent Genetics
Classification: Likely pathogenic for ALG1-congenital disorder of glycosylation. Last evaluated: 2024-05-21. Review status: criteria provided, single submitter. Criteria: ACMG Guidelines, 2015. Collection method: clinical testing. Allele origin: germline.

NM_019109.5(ALG1):c.1261C>T (p.Gln421Ter)

Gene: ALG1 (ALG1 chitobiosyldiphosphodolichol beta-mannosyltransferase; plus strand). Cytogenetic location: 16p13.3.
Variant type: single nucleotide variant.
Coding change: c.1261C>T on transcript NM_019109.5 (MANE Select); coding-DNA position 1261, C replaced by T.
Protein change: p.Gln421Ter; replaces glutamine 421 with a stop codon.
Molecular consequence: nonsense.
Genome position (GRCh38, 1-based): chr16:5,083,755, C>T. VCF-style: chr16-5083755-C-T. GRCh37 (hg19) VCF-style: chr16-5133756-C-T.
Other names: c.928C>T, p.Gln310Ter (NM_001330504.2); short protein forms Q310*, Q421*.
Identifiers: ClinVar variation 3580795 (VCV003580795.2).